The following is an entry in ClinVar:

NM_001127898.4(CLCN5):c.1889C>A (p.Ala630Asp)

Genes: CLCN5 (chloride voltage-gated channel 5; plus strand), LOC126863258 (BRD4-independent group 4 enhancer GRCh37_chrX:49854497-49855696; plus strand). Cytogenetic location: Xp11.23.
Variant type: single nucleotide variant.
Coding change: c.1889C>A on transcript NM_001127898.4 (MANE Select); coding-DNA position 1889, C replaced by A.
Protein change: p.Ala630Asp; replaces alanine 630 with aspartic acid.
Molecular consequence: missense variant.
Genome position (GRCh38, 1-based): chrX:50,090,260, C>A. VCF-style: chrX-50090260-C-A. GRCh37 (hg19) VCF-style: chrX-49854917-C-A.
Other names: c.1679C>A, p.Ala560Asp (NM_000084.5); c.1889C>A, p.Ala630Asp (NM_001127899.4); c.1739C>A, p.Ala580Asp (NM_001282163.2); short protein forms A630D, A560D, A580D.
Identifiers: ClinVar variation 2866335 (VCV002866335.3), dbSNP rs1557194545, ClinGen allele CA413189297.
Genomic context (GRCh38, chrX:50,090,260, plus strand): 5'-CTGCAGCCATGACAAGCAAGTGGGTGGCAGATGCTCTTGGGCGGGAGGGCATCTATGATG[C>A]CCACATCCGTCTCAATGGATACCCCTTTCTTGAAGCCAAAGAAGAGTTTGCTCATAAGAC-3'
Protein context (NP_001121370.1, residues 620-640): DALGREGIYD[Ala630Asp]HIRLNGYPFL

ClinVar aggregate classification (germline): Uncertain significance (1 of 4 stars; one submission).

Allele frequency attached by ClinVar (database versions not stated): gnomAD exomes below 0.00001.
gnomAD v4.1: 1 of 1,211,558 alleles (0.000083%); highest among the groups gnomAD compares: Non-Finnish European, 0.00011%; no homozygotes.

Submission:

Labcorp Genetics (formerly Invitae), Labcorp
Classification: Uncertain significance. Last evaluated: 2023-05-20. Review status: criteria provided, single submitter. Criteria: Invitae Variant Classification Sherloc (09022015). Collection method: clinical testing. Allele origin: germline.
Comment: The frequency data for this variant in the population databases is considered unreliable, as metrics indicate poor data quality at this position in the gnomAD database. In summary, the available evidence is currently insufficient to determine the role of this variant in disease. Therefore, it has been classified as a Variant of Uncertain Significance. An algorithm developed to predict the effect of missense changes on protein structure and function (PolyPhen-2) suggests that this variant is likely to be disruptive. This variant has not been reported in the literature in individuals affected with CLCN5-related conditions. This sequence change replaces alanine, which is neutral and non-polar, with aspartic acid, which is acidic and polar, at codon 560 of the CLCN5 protein (p.Ala560Asp).